The following is an entry in ClinVar:

ClinVar aggregate classification (germline): Likely pathogenic. Review status: criteria provided, multiple submitters, no conflicts (2 of 4 stars). 3 submissions from 3 submitters: Likely pathogenic (3). Last evaluated 2024-01-26.

Conditions:
Ataxia-telangiectasia syndrome (AT). Also called: LOUIS-BAR SYNDROME; Cerebello-oculocutaneous telangiectasia; Immunodeficiency with ataxia telangiectasia; Ataxia telangiectasia (A-T); Ataxia-telangiectasia, complementation group D; AT, COMPLEMENTATION GROUP C. Identifiers: Orphanet 100, MedGen C0004135, MONDO:0008840, OMIM 208900.
Familial cancer of breast. Also called: BREAST CANCER, FAMILIAL; Hereditary breast cancer; hereditary breast carcinoma. Identifiers: Orphanet 227535, MedGen C0346153, MONDO:0016419, OMIM 114480. Disease mechanism: loss of function.

Submissions (3):

Myriad Genetics, Inc.
Classification: Likely pathogenic for Familial cancer of breast. Last evaluated: 2024-01-26. Review status: criteria provided, single submitter. Criteria: Myriad Autosomal Dominant, Autosomal Recessive and X-Linked Classification Criteria (2023). Collection method: clinical testing. Allele origin: unknown.
Comment: This variant is considered likely pathogenic. This variant occurs within a consensus splice junction and is predicted to result in abnormal mRNA splicing of either an out-of-frame exon or an in-frame exon necessary for protein stability and/or normal function.

Labcorp Genetics (formerly Invitae), Labcorp
Classification: Likely pathogenic for Ataxia-telangiectasia syndrome. Last evaluated: 2022-07-06. Review status: criteria provided, single submitter. Criteria: Invitae Variant Classification Sherloc (09022015). Collection method: clinical testing. Allele origin: germline.
Comment: ClinVar contains an entry for this variant (Variation ID: 1508941). In summary, the currently available evidence indicates that the variant is pathogenic, but additional data are needed to prove that conclusively. Therefore, this variant has been classified as Likely Pathogenic. Studies have shown that disruption of this splice site results in activation of a cryptic splice site and introduces a premature termination codon (Invitae). The resulting mRNA is expected to undergo nonsense-mediated decay. This variant has not been reported in the literature in individuals affected with ATM-related conditions. This variant is not present in population databases (gnomAD no frequency). This sequence change affects an acceptor splice site in intron 40 of the ATM gene. RNA analysis indicates that disruption of this splice site induces altered splicing and may result in an absent or disrupted protein product.

Mayo Clinic Laboratories, Mayo Clinic
Classification: Likely pathogenic. Last evaluated: 2022-01-11. Review status: criteria provided, single submitter. Criteria: ACMG Guidelines, 2015. Collection method: clinical testing. Allele origin: germline.
Comment: PM2, PVS1

NM_000051.4(ATM):c.6007-1G>A

Genes: ATM (ATM serine/threonine kinase; plus strand), C11orf65 (chromosome 11 open reading frame 65; minus strand). Cytogenetic location: 11q22.3.
Variant type: single nucleotide variant.
Coding change: c.6007-1G>A on transcript NM_000051.4 (MANE Select); the canonical splice acceptor site of the intron before coding-DNA position 6007, G replaced by A.
Molecular consequence: splice acceptor variant. On other transcripts: intron variant (2).
Genome position (GRCh38, 1-based): chr11:108,315,822, G>A. VCF-style: chr11-108315822-G-A. GRCh37 (hg19) VCF-style: chr11-108186549-G-A.
Other names: c.6007-1G>A (NM_001351834.2); c.641-6751C>T (NM_001330368.2); c.*39-6751C>T (NM_001351110.2).
Identifiers: ClinVar variation 1508941 (VCV001508941.12), dbSNP rs1365726807, ClinGen allele CA382549761.